The following is an entry in ClinVar:

NM_024529.5(CDC73):c.1246G>C (p.Gly416Arg)

Gene: CDC73 (cell division cycle 73; plus strand). Cytogenetic location: 1q31.2.
Variant type: single nucleotide variant.
Coding change: c.1246G>C on transcript NM_024529.5 (MANE Select); coding-DNA position 1246, G replaced by C.
Protein change: p.Gly416Arg; replaces glycine 416 with arginine.
Molecular consequence: missense variant.
Genome position (GRCh38, 1-based): chr1:193,233,084, G>C. VCF-style: chr1-193233084-G-C. GRCh37 (hg19) VCF-style: chr1-193202214-G-C.
Other names: c.1246G>C (NM_024529.4); short protein forms G416R.
Identifiers: ClinVar variation 1349592 (VCV001349592.10), dbSNP rs2102058377, ClinGen allele CA344077919.
Genomic context (GRCh38, chr1:193,233,084, plus strand): 5'-GGTTGTCAACGAGAAAATGAAACTCTAATACAAAGAAGAAAAGACCAGATGCAACCAGGG[G>C]GCACTGCAATTAGTGTTACAGTACCTTATAGAGTAGTAGACCAGCCCCTTAAACTTATGC-3'
Protein context (NP_078805.3, residues 406-426): QRRKDQMQPG[Gly416Arg]TAISVTVPYR

ClinVar aggregate classification (germline): Uncertain significance. Review status: criteria provided, multiple submitters, no conflicts (2 of 4 stars). 2 submissions from 2 submitters: Uncertain significance (2). Last evaluated 2026-05-13.

Conditions:
Hereditary cancer-predisposing syndrome. Also called: Neoplastic Syndromes, Hereditary; Tumor predisposition; Hereditary Cancer Syndrome; Hereditary neoplastic syndrome. Identifiers: Orphanet 140162, MedGen C0027672, MeSH D009386, MONDO:0015356.
Parathyroid carcinoma (PRTC). Also called: CDC73-Related Parathyroid Carcinoma; Parathyroid gland carcinoma. Identifiers: Orphanet 143, MedGen C0687150, MONDO:0012004, OMIM 608266, HP:0006780.

Submissions (2):

Ambry Genetics
Classification: Uncertain significance for Hereditary cancer-predisposing syndrome. Last evaluated: 2026-05-13. Review status: criteria provided, single submitter. Criteria: Ambry Variant Classification Scheme 2023. Collection method: clinical testing. Allele origin: germline.

Labcorp Genetics (formerly Invitae), Labcorp
Classification: Uncertain significance for Parathyroid carcinoma. Last evaluated: 2025-11-26. Review status: criteria provided, single submitter. Criteria: Invitae Variant Classification Sherloc (09022015). Collection method: clinical testing. Allele origin: germline.
Comment: This sequence change replaces glycine, which is neutral and non-polar, with arginine, which is basic and polar, at codon 416 of the CDC73 protein (p.Gly416Arg). This variant is not present in population databases (gnomAD no frequency). This variant has not been reported in the literature in individuals affected with CDC73-related conditions. ClinVar contains an entry for this variant (Variation ID: 1349592). Invitae Evidence Modeling of protein sequence and biophysical properties (such as structural, functional, and spatial information, amino acid conservation, physicochemical variation, residue mobility, and thermodynamic stability) has been performed for this missense variant. However, the output from this modeling did not meet the statistical confidence thresholds required to predict the impact of this variant on CDC73 protein function. In summary, the available evidence is currently insufficient to determine the role of this variant in disease. Therefore, it has been classified as a Variant of Uncertain Significance.